The following is an entry in ClinVar:

ClinVar aggregate classification (germline): Uncertain significance. Review status: criteria provided, multiple submitters, no conflicts (2 of 4 stars). 5 submissions from 4 submitters: Uncertain significance (5). Last evaluated 2022-01-20.

Conditions:
Lethal Kniest-like syndrome (DDSH). Also called: Dyssegmental Dysplasia. Identifiers: Orphanet 1865, MedGen C1857100, MONDO:0009140, OMIM 224410.
Schwartz-Jampel syndrome type 1 (SJS1). Also called: MYOTONIC MYOPATHY, DWARFISM, CHONDRODYSTROPHY, AND OCULAR AND FACIAL ABNORMALITIES; CHONDRODYSTROPHIC MYOTONIA. Identifiers: MedGen C4551479, MONDO:0100435, OMIM 255800.
Schwartz-Jampel syndrome. Also called: Myotonic myopathy dwarfism chondrodystrophy and ocular and facial abnormalities. Identifiers: Orphanet 800, MedGen C0036391, MONDO:0009717.

Allele frequency attached by ClinVar (database versions not stated): gnomAD exomes 0.00011; 1000 Genomes Project 30x 0.00016; TOPMed 0.00018; 1000 Genomes Project 0.00020.
gnomAD v4.1: 84 of 1,592,954 alleles (0.0053%); highest among the groups gnomAD compares: East Asian, 0.11%; no homozygotes.

Submissions (5):

Labcorp Genetics (formerly Invitae), Labcorp
Classification: Uncertain significance. Last evaluated: 2022-01-20. Review status: criteria provided, single submitter. Criteria: Invitae Variant Classification Sherloc (09022015). Collection method: clinical testing. Allele origin: germline.
Comment: This sequence change replaces valine, which is neutral and non-polar, with methionine, which is neutral and non-polar, at codon 3868 of the HSPG2 protein (p.Val3868Met). This variant is present in population databases (rs368497178, gnomAD 0.1%). This variant has not been reported in the literature in individuals affected with HSPG2-related conditions. ClinVar contains an entry for this variant (Variation ID: 876624). Algorithms developed to predict the effect of missense changes on protein structure and function output the following: SIFT: "Tolerated"; PolyPhen-2: "Benign"; Align-GVGD: "Class C0". The methionine amino acid residue is found in multiple mammalian species, which suggests that this missense change does not adversely affect protein function. In summary, the available evidence is currently insufficient to determine the role of this variant in disease. Therefore, it has been classified as a Variant of Uncertain Significance.

ARUP Laboratories, Molecular Genetics and Genomics, ARUP Laboratories
Classification: Uncertain significance. Last evaluated: 2021-09-10. Review status: criteria provided, single submitter. Criteria: ARUP Molecular Germline Variant Investigation Process 2021. Collection method: clinical testing. Allele origin: germline.
Comment: The HSPG2 c.11602G>A, p.Val3868Met variant (rs368497178), to our knowledge, is not reported in the medical literature but is reported in ClinVar (Variation ID: 876624). This variant is found in the East Asian population with an allele frequency of 0.1% (23/17,238 alleles) in the Genome Aggregation Database. The valine at codon 3868 is weakly conserved, but computational analyses are uncertain whether this variant is neutral or deleterious (REVEL: 0.273). Due to limited information, the clinical significance of the p.Val3868Met variant is uncertain at this time.

Illumina Laboratory Services, Illumina
Classification: Uncertain significance for Schwartz-Jampel syndrome type 1. Last evaluated: 2018-01-13. Review status: criteria provided, single submitter. Criteria: ICSL Variant Classification Criteria 13 December 2019. Collection method: clinical testing. Allele origin: germline.

Illumina Laboratory Services, Illumina
Classification: Uncertain significance for Lethal Kniest-like syndrome. Last evaluated: 2018-01-13. Review status: criteria provided, single submitter. Criteria: ICSL Variant Classification Criteria 13 December 2019. Collection method: clinical testing. Allele origin: germline.

Juno Genomics, Hangzhou Juno Genomics, Inc
Classification: Uncertain significance for Lethal Kniest-like syndrome; Schwartz-Jampel syndrome type 1. Review status: criteria provided, single submitter. Criteria: ACMG Guidelines, 2015. Collection method: clinical testing. Allele origin: germline.
Comment: Absent from controls (or at extremely low frequency if recessive) in Genome Aggregation Database.;Multiple lines of computational evidence suggest no impact on gene or gene product.;Missense variant in a gene that has a low rate of benign missense variation.

NM_005529.7(HSPG2):c.11602G>A (p.Val3868Met)

Gene: HSPG2 (heparan sulfate proteoglycan 2; minus strand). Cytogenetic location: 1p36.12.
Variant type: single nucleotide variant.
Coding change: c.11602G>A on transcript NM_005529.7 (MANE Select); coding-DNA position 11602, G replaced by A.
Protein change: p.Val3868Met; replaces valine 3868 with methionine.
Molecular consequence: missense variant.
Genome position (GRCh38, 1-based): chr1:21,831,051, C>T on the plus strand (G>A on the coding strand, the complement: HSPG2 is on the minus strand). VCF-style: chr1-21831051-C-T. GRCh37 (hg19) VCF-style: chr1-22157544-C-T.
Other names: c.11605G>A, p.Val3869Met (NM_001291860.2); short protein forms V3868M, V3869M.
Identifiers: ClinVar variation 876624 (VCV000876624.14), dbSNP rs368497178, ClinGen allele CA669708.